The following is an entry in ClinVar:

ClinVar aggregate classification (germline): Likely pathogenic (1 of 4 stars; one submission).

Conditions:
Osteogenesis imperfecta type I (OI1). Also called: Osteogenesis imperfecta type 1; OI, TYPE I; OSTEOGENESIS IMPERFECTA TARDA; OSTEOGENESIS IMPERFECTA WITH BLUE SCLERAE; Lobstein's Disease; Lobstein disease. Identifiers: Orphanet 216796, Orphanet 666, MedGen C0023931, MONDO:0008146, OMIM 166200. Disease mechanism: loss of function.

Submission:

Labcorp Genetics (formerly Invitae), Labcorp
Classification: Likely pathogenic for Osteogenesis imperfecta type I. Last evaluated: 2017-12-16. Review status: criteria provided, single submitter. Criteria: Invitae Variant Classification Sherloc (09022015). Collection method: clinical testing. Allele origin: germline.
Comment: This deletion includes the first 6 Gly-Xaa-Yaa repeats of the triple helix domain of the COL1A! protein. These repeats are required for the structure and stability of fibrillar collagens (PMID: 7695699, 8218237, 19344236). In COL1A1, missense variants at these glycine residues are significantly enriched in individuals with disease (PMID: 9016532, 17078022) compared to the general population (ExAC). In summary, the currently available evidence indicates that the variant is pathogenic, but additional data are needed to prove that conclusively. Therefore, this variant has been classified as Likely Pathogenic. This variant has not been reported in the literature in individuals with COL1A1-related disease. This variant is an in-frame deletion of the genomic region encompassing exons 6-7 of the COL1A1 gene. It preserves the integrity of the reading frame.

Literature cited by the submitters: PubMed 7695699; PubMed 8218237; PubMed 19344236; PubMed 9016532; PubMed 17078022.

NC_000017.11:g.(?_50198141)_(50198524_?)del

Gene: COL1A1 (collagen type I alpha 1 chain; minus strand). Cytogenetic location: 17q21.33.
Variant type: Deletion.
Identifiers: ClinVar variation 526880 (VCV000526880.3).